The following is an entry in ClinVar:

NM_005475.3(SH2B3):c.818A>G (p.Tyr273Cys)

Gene: SH2B3 (SH2B adaptor protein 3; plus strand). Cytogenetic location: 12q24.12.
Variant type: single nucleotide variant.
Coding change: c.818A>G on transcript NM_005475.3 (MANE Select); coding-DNA position 818, A replaced by G.
Protein change: p.Tyr273Cys; replaces tyrosine 273 with cysteine.
Molecular consequence: missense variant.
Genome position (GRCh38, 1-based): chr12:111,446,838, A>G. VCF-style: chr12-111446838-A-G. GRCh37 (hg19) VCF-style: chr12-111884642-A-G.
Other names: c.212A>G, p.Tyr71Cys (NM_001291424.1); short protein forms Y273C, Y71C.
Identifiers: ClinVar variation 3795247 (VCV003795247.1).

ClinVar aggregate classification (germline): Uncertain significance (1 of 4 stars; one submission).

Conditions:
Inborn genetic diseases. Identifiers: MedGen C0950123, MeSH D030342.

gnomAD v4.1: 2 of 1,599,178 alleles (0.00013%); highest among the groups gnomAD compares: Non-Finnish European, 0.000085%; no homozygotes.

Submission:

Ambry Genetics
Classification: Uncertain significance for Inborn genetic diseases. Last evaluated: 2025-03-10. Review status: criteria provided, single submitter. Criteria: Ambry Variant Classification Scheme 2023. Collection method: clinical testing. Allele origin: germline.
Comment: The p.Y273C variant (also known as c.818A>G), located in coding exon 2 of the SH2B3 gene, results from an A to G substitution at nucleotide position 818. The tyrosine at codon 273 is replaced by cysteine, an amino acid with highly dissimilar properties. This amino acid position is conserved. In addition, this alteration is predicted to be tolerated by in silico analysis. Based on the available evidence, the clinical significance of this variant remains unclear.